The following is an entry in ClinVar:

ClinVar aggregate classification (germline): Uncertain significance (1 of 4 stars; one submission).

Submission:

GeneDx
Classification: Uncertain significance. Last evaluated: 2026-03-03. Review status: criteria provided, single submitter. Criteria: GeneDx Variant Classification Process June 2021. Collection method: clinical testing. Allele origin: germline.
Comment: Not observed at significant frequency in large population cohorts (gnomAD); In silico analysis supports that this missense variant has a deleterious effect on protein structure/function; Has not been previously published as pathogenic or benign to our knowledge

NM_001122659.3(EDNRB):c.715G>C (p.Gly239Arg)

Genes: EDNRB (endothelin receptor type B; minus strand), EDNRB-AS1 (EDNRB antisense RNA 1; plus strand). Cytogenetic location: 13q22.3.
Variant type: single nucleotide variant.
Coding change: c.715G>C on transcript NM_001122659.3 (MANE Select); coding-DNA position 715, G replaced by C.
Protein change: p.Gly239Arg; replaces glycine 239 with arginine.
Molecular consequence: missense variant.
Genome position (GRCh38, 1-based): chr13:77,903,242, C>G on the plus strand (G>C on the coding strand, the complement: EDNRB is on the minus strand). VCF-style: chr13-77903242-C-G. GRCh37 (hg19) VCF-style: chr13-78477377-C-G.
Other names: c.715G>C, p.Gly239Arg (NM_000115.5, NM_003991.4); c.985G>C, p.Gly329Arg (NM_001201397.2); short protein forms G239R, G329R.
Identifiers: ClinVar variation 4888022 (VCV004888022.1).